The following is an entry in ClinVar:

NM_001127511.3(APC):c.165+20386C>A

Gene: APC (APC regulator of Wnt signaling pathway; plus strand). Cytogenetic location: 5q22.2.
Variant type: single nucleotide variant.
Coding change: c.165+20386C>A on transcript NM_001127511.3; 20386 bases into the intron after coding-DNA position 165, C replaced by A.
Molecular consequence: intron variant.
Genome position (GRCh38, 1-based): chr5:112,728,268, C>A. VCF-style: chr5-112728268-C-A. GRCh37 (hg19) VCF-style: chr5-112063965-C-A.
Other names: c.-1054+20386C>A (NM_001407470.1, NM_001407472.1); c.-19+20386C>A (NM_001407447.1, NM_001354895.2, NM_001407456.1 and 3 more transcripts); c.165+20386C>A (NM_001407446.1, NM_001354897.2, NM_001354902.2); c.-19+20619C>A (NM_001407448.1, NM_001407450.1, NM_001407457.1 and 1 more transcripts); c.-43+20619C>A (NM_001407453.1).
Identifiers: ClinVar variation 82701 (VCV000082701.4), dbSNP rs77088359, ClinGen allele CA023473.

ClinVar aggregate classification (germline): other (0 of 4 stars; one submission).

Conditions:
Familial colorectal cancer. Identifiers: MedGen CN280943, MONDO:0023113. Disease mechanism: loss of function.

Submission:

Systems Biology Platform Zhejiang California International NanoSystems Institute
Classification: other for Familial colorectal cancer. Review status: no assertion criteria provided. Collection method: not provided. Allele origin: unknown.
ClinVar note: Converted during submission from cancer to other.